The following is an entry in ClinVar:

ClinVar aggregate classification (germline): Uncertain significance. Review status: criteria provided, single submitter (1 of 4 stars). 2 submissions from 2 submitters: Uncertain significance (1). 1 of the submissions does not count toward it. Last evaluated 2026-01-14.

Conditions:
FOCAD-related disorder. Also called: FOCAD-related condition.

gnomAD v4.1: 274 of 1,520,524 alleles (0.018%); highest among the groups gnomAD compares: Middle Eastern, 0.14%; 1 homozygote.

Submissions (2):

Labcorp Genetics (formerly Invitae), Labcorp
Classification: Uncertain significance. Last evaluated: 2026-01-14. Review status: criteria provided, single submitter. Criteria: Invitae Variant Classification Sherloc (09022015). Collection method: clinical testing. Allele origin: germline.
Comment: This sequence change replaces alanine, which is neutral and non-polar, with valine, which is neutral and non-polar, at codon 871 of the FOCAD protein (p.Ala871Val). This variant is present in population databases (rs187654100, gnomAD 0.06%). This variant has not been reported in the literature in individuals affected with FOCAD-related conditions. ClinVar contains an entry for this variant (Variation ID: 3354851). Experimental studies and prediction algorithms are not available or were not evaluated, and the functional significance of this variant is currently unknown. In summary, the available evidence is currently insufficient to determine the role of this variant in disease. Therefore, it has been classified as a Variant of Uncertain Significance.

PreventionGenetics, part of Exact Sciences
Classification: Uncertain significance for FOCAD-related condition. Last evaluated: 2024-07-09. Review status: no assertion criteria provided. Collection method: clinical testing. Allele origin: germline. Not counted in ClinVar's aggregate classification.
Comment: The FOCAD c.2612C>T variant is predicted to result in the amino acid substitution p.Ala871Val. To our knowledge, this variant has not been reported in the literature. This variant is reported in 0.055% of alleles in individuals of Latino descent in gnomAD. Although we suspect that this variant may be benign, at this time, the clinical significance of this variant is uncertain due to the absence of conclusive functional and genetic evidence.

NM_001375567.1(FOCAD):c.2612C>T (p.Ala871Val)

Gene: FOCAD (focadhesin; plus strand). Cytogenetic location: 9p21.3.
Variant type: single nucleotide variant.
Coding change: c.2612C>T on transcript NM_001375567.1 (MANE Select); coding-DNA position 2612, C replaced by T.
Protein change: p.Ala871Val; replaces alanine 871 with valine.
Molecular consequence: missense variant.
Genome position (GRCh38, 1-based): chr9:20,885,217, C>T. VCF-style: chr9-20885217-C-T. GRCh37 (hg19) VCF-style: chr9-20885216-C-T.
Other names: c.2507C>T, p.Ala836Val (NM_001375568.1, NM_001375570.1); c.2612C>T, p.Ala871Val (NM_017794.5); short protein forms A836V, A871V.
Identifiers: ClinVar variation 3354851 (VCV003354851.3).
Genomic context (GRCh38, chr9:20,885,217, plus strand): 5'-GAAAACCATTGAACAGACTGATGGCCAGCAGAGGGCGAAGTTTCAAGCAGACTTCACTTG[C>T]TCTTGTACATGAGGTAGGTTCCCGTGTCCTCTTCTTTATGTTTTAGTGTTTTCTCCCTTC-3'
Protein context (NP_001362496.1, residues 861-881): RGRSFKQTSL[Ala871Val]LVHEVHIQLS